The following is an entry in ClinVar:

NM_000069.3(CACNA1S):c.1348G>A (p.Ala450Thr)

Gene: CACNA1S (calcium voltage-gated channel subunit alpha1 S; minus strand). Cytogenetic location: 1q32.1.
Variant type: single nucleotide variant.
Coding change: c.1348G>A on transcript NM_000069.3 (MANE Select); coding-DNA position 1348, G replaced by A.
Protein change: p.Ala450Thr; replaces alanine 450 with threonine.
Molecular consequence: missense variant.
Genome position (GRCh38, 1-based): chr1:201,083,207, C>T on the plus strand (G>A on the coding strand, the complement: CACNA1S is on the minus strand). VCF-style: chr1-201083207-C-T. GRCh37 (hg19) VCF-style: chr1-201052335-C-T.
Other names: short protein forms A450T.
Identifiers: ClinVar variation 541043 (VCV000541043.13), dbSNP rs150218077, ClinGen allele CA078156.

ClinVar aggregate classification (germline): Conflicting classifications of pathogenicity. Review status: criteria provided, conflicting classifications (1 of 4 stars). 5 submissions from 5 submitters: Uncertain significance (4); Benign (1). Last evaluated 2026-10-15.

Conditions:
Hypokalemic periodic paralysis, type 1. Also called: HypoPP; Hypokalemic Periodic Paralysis Type 1 (AD). Identifiers: Orphanet 681, MedGen C3714580, MONDO:0042979, OMIM 170400.
Malignant hyperthermia, susceptibility to, 5 (MHS5). Also called: CACNA1S-Related Malignant Hyperthermia Susceptibility. Identifiers: Orphanet 423, MedGen C1866077, MONDO:0011163, OMIM 601887.
Thyrotoxic periodic paralysis, susceptibility to, 1 (TTPP1). Identifiers: Orphanet 79102, MedGen C2749982, MONDO:0008570, OMIM 188580.

Allele frequency attached by ClinVar (database versions not stated): TOPMed 0.00007; gnomAD 0.00009; ExAC 0.00002; ESP Exome Variant Server 0.00008.
gnomAD v4.1: 145 of 1,613,994 alleles (0.009%); highest among the groups gnomAD compares: African/African-American, 0.019%; no homozygotes.

Submissions (5):

GeneDx
Classification: Uncertain significance. Last evaluated: 2026-10-15. Review status: criteria provided, single submitter. Criteria: GeneDx Variant Classification Process June 2021. Collection method: clinical testing. Allele origin: germline.
Comment: In silico analysis suggests that this missense variant does not alter protein structure/function; Has not been previously published as pathogenic or benign to our knowledge

Labcorp Genetics (formerly Invitae), Labcorp
Classification: Benign for Hypokalemic periodic paralysis, type 1; Malignant hyperthermia, susceptibility to, 5. Last evaluated: 2025-10-14. Review status: criteria provided, single submitter. Criteria: Invitae Variant Classification Sherloc (09022015). Collection method: clinical testing. Allele origin: germline.

Color Diagnostics, LLC DBA Color Health
Classification: Uncertain significance for Malignant hyperthermia, susceptibility to, 5. Last evaluated: 2024-02-14. Review status: criteria provided, single submitter. Criteria: ACMG Guidelines, 2015. Collection method: clinical testing. Allele origin: germline.
Comment: This missense variant replaces alanine with threonine at codon 450 of the CACNA1S protein. Computational prediction is inconclusive regarding the impact of this variant on protein structure and function. To our knowledge, functional studies have not been reported for this variant. This variant has not been reported in individuals affected with CACNA1S-related disorders in the literature. This variant has been identified in 11/282832 chromosomes in the general population by the Genome Aggregation Database (gnomAD). The available evidence is insufficient to determine the role of this variant in disease conclusively. Therefore, this variant is classified as a Variant of Uncertain Significance.

Fulgent Genetics
Classification: Uncertain significance for Hypokalemic periodic paralysis, type 1; Thyrotoxic periodic paralysis, susceptibility to, 1; Malignant hyperthermia, susceptibility to, 5. Last evaluated: 2022-02-11. Review status: criteria provided, single submitter. Criteria: ACMG Guidelines, 2015. Collection method: clinical testing. Allele origin: unknown.

Department of Pathology and Laboratory Medicine, Sinai Health System
Classification: Uncertain significance for malignant hyperthermia, susceptibility to, 5. Last evaluated: 2021-11-09. Review status: criteria provided, single submitter. Criteria: ACMG Guidelines, 2015. Collection method: research. Allele origin: germline.